The following is an entry in ClinVar:

ClinVar aggregate classification (germline): Uncertain significance. Review status: criteria provided, multiple submitters, no conflicts (2 of 4 stars). 6 submissions from 5 submitters: Uncertain significance (6). Last evaluated 2025-10-14.

Conditions:
Inborn genetic diseases. Identifiers: MedGen C0950123, MeSH D030342.
Amyotrophic lateral sclerosis type 4 (ALS4). Also called: AMYOTROPHIC LATERAL SCLEROSIS 4, JUVENILE; NEURONOPATHY, DISTAL HEREDITARY MOTOR, WITH PYRAMIDAL FEATURES. Identifiers: Orphanet 357043, MedGen C1865409, MONDO:0011223, OMIM 602433.
Spinocerebellar ataxia, autosomal recessive, with axonal neuropathy 2 (SCAN2). Also called: ATAXIA-OCULOMOTOR APRAXIA 2; Ataxia-ocular apraxia-2; Ataxia with Oculomotor Apraxia Type 2; Ataxia with Oculomotor Apraxia. Identifiers: Orphanet 64753, MedGen C1853761, MONDO:0018996, OMIM 606002.

Allele frequency attached by ClinVar (database versions not stated): ExAC 0.00001; gnomAD exomes 0.00001; TOPMed 0.00003; gnomAD 0.00004.

Submissions (6):

Ambry Genetics
Classification: Uncertain significance for Inborn genetic diseases. Last evaluated: 2025-10-14. Review status: criteria provided, single submitter. Criteria: Ambry Variant Classification Scheme 2023. Collection method: clinical testing. Allele origin: germline.

Labcorp Genetics (formerly Invitae), Labcorp
Classification: Uncertain significance for Amyotrophic lateral sclerosis type 4; Spinocerebellar ataxia, autosomal recessive, with axonal neuropathy 2. Last evaluated: 2025-02-13. Review status: criteria provided, single submitter. Criteria: Invitae Variant Classification Sherloc (09022015). Collection method: clinical testing. Allele origin: germline.
Comment: This sequence change replaces aspartic acid, which is acidic and polar, with tyrosine, which is neutral and polar, at codon 2304 of the SETX protein (p.Asp2304Tyr). This variant is present in population databases (rs774458684, gnomAD 0.002%). This variant has not been reported in the literature in individuals affected with SETX-related conditions. ClinVar contains an entry for this variant (Variation ID: 284256). Invitae Evidence Modeling of protein sequence and biophysical properties (such as structural, functional, and spatial information, amino acid conservation, physicochemical variation, residue mobility, and thermodynamic stability) has been performed for this missense variant. However, the output from this modeling did not meet the statistical confidence thresholds required to predict the impact of this variant on SETX protein function. In summary, the available evidence is currently insufficient to determine the role of this variant in disease. Therefore, it has been classified as a Variant of Uncertain Significance.

Genome-Nilou Lab
Classification: Uncertain significance for Spinocerebellar ataxia, autosomal recessive, with axonal neuropathy 2. Last evaluated: 2023-02-08. Review status: criteria provided, single submitter. Criteria: ACMG Guidelines, 2015. Collection method: clinical testing. Allele origin: germline.

Genome-Nilou Lab
Classification: Uncertain significance for Amyotrophic lateral sclerosis type 4. Last evaluated: 2023-02-08. Review status: criteria provided, single submitter. Criteria: ACMG Guidelines, 2015. Collection method: clinical testing. Allele origin: germline.

Athena Diagnostics
Classification: Uncertain significance. Last evaluated: 2017-06-05. Review status: criteria provided, single submitter. Criteria: Athena Diagnostics Criteria. Collection method: clinical testing. Allele origin: germline.

Eurofins Ntd Llc (ga)
Classification: Uncertain significance. Last evaluated: 2015-10-27. Review status: criteria provided, single submitter. Criteria: EGL Classification Definitions 2015. Collection method: clinical testing. Allele origin: germline. Observed: 1 variant allele, 1 heterozygote.

NM_015046.7(SETX):c.6910G>T (p.Asp2304Tyr)

Gene: SETX (senataxin; minus strand). Cytogenetic location: 9q34.13.
Variant type: single nucleotide variant.
Coding change: c.6910G>T on transcript NM_015046.7 (MANE Select); coding-DNA position 6910, G replaced by T.
Protein change: p.Asp2304Tyr; replaces aspartic acid 2304 with tyrosine.
Molecular consequence: missense variant.
Genome position (GRCh38, 1-based): chr9:132,277,085, C>A on the plus strand (G>T on the coding strand, the complement: SETX is on the minus strand). VCF-style: chr9-132277085-C-A. GRCh37 (hg19) VCF-style: chr9-135152472-C-A.
Other names: c.6910G>T, p.Asp2304Tyr (NM_001351527.2, NM_001351528.2); short protein forms D2304Y.
Identifiers: ClinVar variation 284256 (VCV000284256.8), dbSNP rs774458684, ClinGen allele CA5296581.